The following is an entry in ClinVar:

NM_001457.4(FLNB):c.541+3A>C

Gene: FLNB (filamin B; plus strand). Cytogenetic location: 3p14.3.
Variant type: single nucleotide variant.
Coding change: c.541+3A>C on transcript NM_001457.4 (MANE Select); 3 bases into the intron after coding-DNA position 541, A replaced by C.
Molecular consequence: intron variant.
Genome position (GRCh38, 1-based): chr3:58,077,297, A>C. VCF-style: chr3-58077297-A-C. GRCh37 (hg19) VCF-style: chr3-58063024-A-C.
Other names: c.541+3A>C (NM_001164317.2, NM_001164318.2, NM_001164319.2).
Identifiers: ClinVar variation 2186560 (VCV002186560.4), dbSNP rs2097203001, ClinGen allele CA1048385570.

ClinVar aggregate classification (germline): Uncertain significance (1 of 4 stars; one submission).

Allele frequency attached by ClinVar (database versions not stated): gnomAD exomes below 0.00001; gnomAD 0.00003; TOPMed 0.00003.
gnomAD v4.1: 6 of 1,613,754 alleles (0.00037%); highest among the groups gnomAD compares: Admixed American, 0.0067%; no homozygotes.

Submission:

Labcorp Genetics (formerly Invitae), Labcorp
Classification: Uncertain significance. Last evaluated: 2024-03-22. Review status: criteria provided, single submitter. Criteria: Invitae Variant Classification Sherloc (09022015). Collection method: clinical testing. Allele origin: germline.
Comment: This sequence change falls in intron 2 of the FLNB gene. It does not directly change the encoded amino acid sequence of the FLNB protein. It affects a nucleotide within the consensus splice site. This variant is not present in population databases (gnomAD no frequency). This variant has not been reported in the literature in individuals affected with FLNB-related conditions. ClinVar contains an entry for this variant (Variation ID: 2186560). Variants that disrupt the consensus splice site are a relatively common cause of aberrant splicing (PMID: 17576681, 9536098). Algorithms developed to predict the effect of sequence changes on RNA splicing suggest that this variant is not likely to affect RNA splicing. In summary, the available evidence is currently insufficient to determine the role of this variant in disease. Therefore, it has been classified as a Variant of Uncertain Significance.

Literature cited by the submitters: PubMed 17576681; PubMed 9536098.